The following is an entry in ClinVar:

NM_000135.4(FANCA):c.4135C>A (p.Pro1379Thr)

Genes: ZNF276 (zinc finger protein 276; plus strand), FANCA (FA complementation group A; minus strand). Cytogenetic location: 16q24.3.
Variant type: single nucleotide variant.
Coding change: c.4135C>A on transcript NM_000135.4 (MANE Select); coding-DNA position 4135, C replaced by A.
Protein change: p.Pro1379Thr; replaces proline 1379 with threonine.
Molecular consequence: missense variant. On other transcripts: 3 prime UTR variant (2), non-coding transcript variant (4).
Genome position (GRCh38, 1-based): chr16:89,739,165, G>T on the plus strand (C>A on the coding strand, the complement: FANCA is on the minus strand). VCF-style: chr16-89739165-G-T. GRCh37 (hg19) VCF-style: chr16-89805573-G-T.
Other names: c.4135C>A, p.Pro1379Thr (NM_001286167.3); c.*919G>T (NM_001113525.2, NM_152287.4); short protein forms P1379T.
Identifiers: ClinVar variation 2044658 (VCV002044658.4), dbSNP rs372493612, ClinGen allele CA286614605.
Genomic context (GRCh38, chr16:89,739,165, plus strand): 5'-TGGAGGTGGGACTGGCCCTTGCACCTGCCTGACCCTTGAGCTCCAGGCTCCTGCCAGCTG[G>T]AGGTGAAACTGTGCTTGTATCCCCAGCCACGAAGAGCTGGACCAGCTTCAAGTACATGTC-3'
Protein context (NP_000126.2, residues 1369-1389): VAGDTSTVSP[Pro1379Thr]AGRSLELKGQ

ClinVar aggregate classification (germline): Uncertain significance. Review status: criteria provided, multiple submitters, no conflicts (2 of 4 stars). 2 submissions from 2 submitters: Uncertain significance (2). Last evaluated 2025-02-23.

Conditions:
Inborn genetic diseases. Identifiers: MedGen C0950123, MeSH D030342.
Fanconi anemia (FA). Also called: Fanconi's anemia. Identifiers: Orphanet 84, MedGen C0015625, MeSH D005199, MONDO:0019391.

Allele frequency attached by ClinVar (database versions not stated): ESP Exome Variant Server 0.00008; TOPMed below 0.00001.
gnomAD v4.1: 1 of 1,614,152 alleles (0.000062%); highest among the groups gnomAD compares: Non-Finnish European, 0.000085%; no homozygotes.

Submissions (2):

Ambry Genetics
Classification: Uncertain significance for Inborn genetic diseases. Last evaluated: 2025-02-23. Review status: criteria provided, single submitter. Criteria: Ambry Variant Classification Scheme 2023. Collection method: clinical testing. Allele origin: germline.
Comment: The p.P1379T variant (also known as c.4135C>A), located in coding exon 41 of the FANCA gene, results from a C to A substitution at nucleotide position 4135. The proline at codon 1379 is replaced by threonine, an amino acid with highly similar properties. This amino acid position is conserved. In addition, this alteration is predicted to be tolerated by in silico analysis. Based on the available evidence, the clinical significance of this variant remains unclear.

Labcorp Genetics (formerly Invitae), Labcorp
Classification: Uncertain significance for Fanconi anemia. Last evaluated: 2024-08-12. Review status: criteria provided, single submitter. Criteria: Invitae Variant Classification Sherloc (09022015). Collection method: clinical testing. Allele origin: germline.
Comment: This sequence change replaces proline, which is neutral and non-polar, with threonine, which is neutral and polar, at codon 1379 of the FANCA protein (p.Pro1379Thr). This variant is not present in population databases (gnomAD no frequency). This variant has not been reported in the literature in individuals affected with FANCA-related conditions. ClinVar contains an entry for this variant (Variation ID: 2044658). Advanced modeling of protein sequence and biophysical properties (such as structural, functional, and spatial information, amino acid conservation, physicochemical variation, residue mobility, and thermodynamic stability) performed at Invitae indicates that this missense variant is not expected to disrupt FANCA protein function with a negative predictive value of 95%. In summary, the available evidence is currently insufficient to determine the role of this variant in disease. Therefore, it has been classified as a Variant of Uncertain Significance.